The following is an entry in ClinVar:

ClinVar aggregate classification (germline): Uncertain significance (1 of 4 stars; one submission).

Conditions:
Inborn genetic diseases. Identifiers: MedGen C0950123, MeSH D030342.

Submission:

Ambry Genetics
Classification: Uncertain significance for Inborn genetic diseases. Last evaluated: 2025-09-26. Review status: criteria provided, single submitter. Criteria: Ambry Variant Classification Scheme 2023. Collection method: clinical testing. Allele origin: germline.
Comment: The p.G737C variant (also known as c.2209G>T), located in coding exon 19 of the KDM1A gene, results from a G to T substitution at nucleotide position 2209. The glycine at codon 737 is replaced by cysteine, an amino acid with highly dissimilar properties. This amino acid position is conserved. In addition, this alteration is predicted to be deleterious by in silico analysis. Based on the available evidence, the clinical significance of this variant remains unclear.

NM_001009999.3(KDM1A):c.2209G>T (p.Gly737Cys)

Gene: KDM1A (lysine demethylase 1A; plus strand). Cytogenetic location: 1p36.12.
Variant type: single nucleotide variant.
Coding change: c.2209G>T on transcript NM_001009999.3 (MANE Select); coding-DNA position 2209, G replaced by T.
Protein change: p.Gly737Cys; replaces glycine 737 with cysteine.
Molecular consequence: missense variant.
Genome position (GRCh38, 1-based): chr1:23,081,484, G>T. VCF-style: chr1-23081484-G-T. GRCh37 (hg19) VCF-style: chr1-23407977-G-T.
Other names: c.2155G>T, p.Gly719Cys (NM_001363654.2); c.2215G>T, p.Gly739Cys (NM_001410762.1); c.2137G>T, p.Gly713Cys (NM_001410763.1, NM_015013.4); short protein forms G737C, G739C, G713C, G719C.
Identifiers: ClinVar variation 4622649 (VCV004622649.1).